The following is an entry in ClinVar:

NM_033380.3(COL4A5):c.4154G>A (p.Gly1385Glu)

Gene: COL4A5 (collagen type IV alpha 5 chain; plus strand). Cytogenetic location: Xq22.3.
Variant type: single nucleotide variant.
Coding change: c.4154G>A on transcript NM_033380.3 (MANE Select); coding-DNA position 4154, G replaced by A.
Protein change: p.Gly1385Glu; replaces glycine 1385 with glutamic acid.
Molecular consequence: missense variant.
Genome position (GRCh38, 1-based): chrX:108,681,826, G>A. VCF-style: chrX-108681826-G-A. GRCh37 (hg19) VCF-style: chrX-107925056-G-A.
Other names: p.(Gly1385Glu); c.4136G>A, p.Gly1379Glu (NM_000495.5); short protein forms G1385E, G1379E.
Identifiers: ClinVar variation 4952330 (VCV004952330.2).

ClinVar aggregate classification (germline): Likely pathogenic. Review status: criteria provided, multiple submitters, no conflicts (2 of 4 stars). 2 submissions from 2 submitters: Likely pathogenic (2). Last evaluated 2026-07-09.

Conditions:
COL4A5-related disorders.
X-linked Alport syndrome (ATS1). Also called: NEPHROPATHY AND DEAFNESS, X-LINKED; COL4A5-Related Nephropathy. Identifiers: Orphanet 63, Orphanet 88917, MedGen C4746986, MONDO:0010520, OMIM 301050.

Submissions (2):

Centre de Génétique Humaine, Institut de Pathologie Et de Génétique
Classification: Likely pathogenic for X-linked Alport syndrome. Last evaluated: 2026-07-09. Review status: criteria provided, single submitter. Criteria: ACMG Guidelines, 2015. Collection method: clinical testing. Allele origin: paternal, germline, maternal. Inheritance: X-linked dominant inheritance. Affected: yes. Observed: 4 variant alleles, 3 heterozygotes, 1 hemizygote. Clinical features observed: Microscopic hematuria (HP:0002907), Sensorineural hearing loss disorder (HP:0000407), Stage 5 chronic kidney disease (HP:0003774), Stage 3 chronic kidney disease (HP:0012625). Segregation with disease observed.
Comment: This missense variant involves a highly conserved glycine located in a ‘Gly-X-Y’ motif in collagenous region, (PM1,PP2). This variant is rare: absent in gnomAD v4.1.0 database (PM2). Another missense variant affecting the same residue described as likely pathogenic: c.4154G>T, p.(Gly1385Val), PMID: 36130833 (PM5). In silico analysis supports that this missense variant has a deleterious effect (PP3). Described in scientific literature as disease causing (PP5).

Blueprint Genetics
Classification: Likely pathogenic for COL4A5-related disorders. Last evaluated: 2024-06-28. Review status: criteria provided, single submitter. Criteria: ACMG Guidelines, 2015. Collection method: clinical testing. Allele origin: germline. Affected: yes. Observed: 2 variant alleles.

Literature cited by the submitters: PubMed 35020912 (cited by Centre de Génétique Humaine, Institut de Pathologie Et de Génétique).